The following is an entry in ClinVar:

NM_002087.4(GRN):c.1744G>A (p.Ala582Thr)

Gene: GRN (granulin precursor; plus strand). Cytogenetic location: 17q21.31.
Variant type: single nucleotide variant.
Coding change: c.1744G>A on transcript NM_002087.4 (MANE Select); coding-DNA position 1744, G replaced by A.
Protein change: p.Ala582Thr; replaces alanine 582 with threonine.
Molecular consequence: missense variant.
Genome position (GRCh38, 1-based): chr17:44,352,760, G>A. VCF-style: chr17-44352760-G-A. GRCh37 (hg19) VCF-style: chr17-42430128-G-A.
Other names: short protein forms A582T.
Identifiers: ClinVar variation 1779262 (VCV001779262.10), dbSNP rs72824737, ClinGen allele CA8602291.

ClinVar aggregate classification (germline): Conflicting classifications of pathogenicity. Review status: criteria provided, conflicting classifications (1 of 4 stars). 5 submissions from 5 submitters: Uncertain significance (4); Likely benign (1). Last evaluated 2024-11-14.

Conditions:
Inborn genetic diseases. Identifiers: MedGen C0950123, MeSH D030342.
Neuronal ceroid lipofuscinosis 11. Also called: GRN-Related Neuronal Ceroid-Lipofuscinosis. Identifiers: Orphanet 314629, Orphanet 79262, MedGen C3539123, MONDO:0013866, OMIM 614706.
GRN-related frontotemporal lobar degeneration with Tdp43 inclusions (FTD2). Also called: DEMENTIA, HEREDITARY DYSPHASIC DISINHIBITION; FRONTOTEMPORAL LOBAR DEGENERATION WITH UBIQUITIN-POSITIVE INCLUSIONS; FTLD-TDP, GRN-RELATED; GRN Frontotemporal Dementia; FRONTOTEMPORAL DEMENTIA WITH TDP43 INCLUSIONS, GRN-RELATED. Identifiers: Orphanet 100070, Orphanet 282, MedGen C1843792, MONDO:0011842, OMIM 607485. Disease mechanism: loss of function.

Allele frequency attached by ClinVar (database versions not stated): TOPMed 0.00005; ExAC 0.00008; gnomAD 0.00009; 1000 Genomes Project 30x 0.00016.
gnomAD v4.1: 203 of 1,611,644 alleles (0.013%); highest among the groups gnomAD compares: Non-Finnish European, 0.014%; no homozygotes.

Submissions (5):

Blueprint Genetics
Classification: Likely benign. Last evaluated: 2024-11-14. Review status: criteria provided, single submitter. Criteria: ACMG Guidelines, 2015. Collection method: clinical testing. Allele origin: germline.

GeneDx
Classification: Uncertain significance. Last evaluated: 2024-09-20. Review status: criteria provided, single submitter. Criteria: GeneDx Variant Classification Process June 2021. Collection method: clinical testing. Allele origin: germline. Affected: yes.
Comment: Reported in an individual with late-onset apparently sporadic Alzheimer's disease (PMID: 25104557); In silico analysis indicates that this missense variant does not alter protein structure/function; This variant is associated with the following publications: (PMID: 32507413, 25104557)

Labcorp Genetics (formerly Invitae), Labcorp
Classification: Uncertain significance for Neuronal ceroid lipofuscinosis 11; GRN-related frontotemporal lobar degeneration with Tdp43 inclusions. Last evaluated: 2024-07-25. Review status: criteria provided, single submitter. Criteria: Invitae Variant Classification Sherloc (09022015). Collection method: clinical testing. Allele origin: germline.
Comment: This sequence change replaces alanine, which is neutral and non-polar, with threonine, which is neutral and polar, at codon 582 of the GRN protein (p.Ala582Thr). This variant is present in population databases (rs72824737, gnomAD 0.04%). This variant has not been reported in the literature in individuals affected with GRN-related conditions. ClinVar contains an entry for this variant (Variation ID: 1779262). An algorithm developed to predict the effect of missense changes on protein structure and function outputs the following: PolyPhen-2: "Benign". The threonine amino acid residue is found in multiple mammalian species, which suggests that this missense change does not adversely affect protein function. In summary, the available evidence is currently insufficient to determine the role of this variant in disease. Therefore, it has been classified as a Variant of Uncertain Significance.

Athena Diagnostics
Classification: Uncertain significance. Last evaluated: 2024-07-10. Review status: criteria provided, single submitter. Criteria: Athena Diagnostics Criteria. Collection method: clinical testing. Allele origin: unknown.

Ambry Genetics
Classification: Uncertain significance for Inborn genetic diseases. Last evaluated: 2018-09-28. Review status: criteria provided, single submitter. Criteria: Ambry Variant Classification Scheme 2023. Collection method: clinical testing. Allele origin: germline.
Comment: The p.A582T variant (also known as c.1744G>A), located in coding exon 12 of the GRN gene, results from a G to A substitution at nucleotide position 1744. The alanine at codon 582 is replaced by threonine, an amino acid with similar properties. This variant was detected in one of 179 controls, but absent in 141 cases with late-onset Alzehimer's disease (Sassi C et al. Neurobiol. Aging, 2014 Dec;35:2881.e1-2881.e6). This amino acid position is poorly conserved in available vertebrate species. In addition, this alteration is predicted to be tolerated by in silico analysis. Since supporting evidence is limited at this time, the clinical significance of this alteration remains unclear.

Literature cited by the submitters: PubMed 25104557 (cited by Athena Diagnostics and Ambry Genetics); PubMed 32507413 (cited by Athena Diagnostics); PubMed 30279455 (cited by Athena Diagnostics); PubMed 33543123 (cited by Athena Diagnostics).